The following is an entry in ClinVar:

NM_012144.4(DNAI1):c.1673C>A (p.Ser558Tyr)

Gene: DNAI1 (dynein axonemal intermediate chain 1; plus strand). Cytogenetic location: 9p13.3.
Variant type: single nucleotide variant.
Coding change: c.1673C>A on transcript NM_012144.4 (MANE Select); coding-DNA position 1673, C replaced by A.
Protein change: p.Ser558Tyr; replaces serine 558 with tyrosine.
Molecular consequence: missense variant.
Genome position (GRCh38, 1-based): chr9:34,514,497, C>A. VCF-style: chr9-34514497-C-A. GRCh37 (hg19) VCF-style: chr9-34514495-C-A.
Other names: c.1685C>A, p.Ser562Tyr (NM_001281428.2); short protein forms S558Y, S562Y.
Identifiers: ClinVar variation 4980506 (VCV004980506.1).

ClinVar aggregate classification (germline): Uncertain significance (1 of 4 stars; one submission).

Conditions:
DNAI1-related disorder. Also called: DNAI1-related condition.

gnomAD v4.1: 3 of 1,614,240 alleles (0.00019%); highest among the groups gnomAD compares: Non-Finnish European, 0.000085%; no homozygotes.

Submission:

PreventionGenetics, part of Exact Sciences
Classification: Uncertain significance for DNAI1-related condition. Last evaluated: 2026-07-30. Review status: criteria provided, single submitter. Criteria: ACMG Guidelines, 2015. Collection method: clinical testing. Allele origin: germline.
Comment: The DNAI1 c.1673C>A variant is predicted to result in the amino acid substitution p.Ser558Tyr. To our knowledge, this variant has not been reported in the literature or in a large population database (gnomAD), indicating this variant is rare. At this time, the clinical significance of this variant is uncertain due to the absence of conclusive functional and genetic evidence.